The following is an entry in ClinVar:

NM_183050.4(BCKDHB):c.817A>T (p.Thr273Ser)

Gene: BCKDHB (branched chain keto acid dehydrogenase E1 subunit beta; plus strand). Cytogenetic location: 6q14.1.
Variant type: single nucleotide variant.
Coding change: c.817A>T on transcript NM_183050.4 (MANE Select); coding-DNA position 817, A replaced by T.
Protein change: p.Thr273Ser; replaces threonine 273 with serine.
Molecular consequence: missense variant. On other transcripts: non-coding transcript variant (6).
Genome position (GRCh38, 1-based): chr6:80,201,008, A>T. VCF-style: chr6-80201008-A-T. GRCh37 (hg19) VCF-style: chr6-80910725-A-T.
Other names: c.817A>T, p.Thr273Ser (NM_000056.5, NM_001424035.1, NM_001424036.1 and 7 more transcripts); c.607A>T, p.Thr203Ser (NM_001318975.1, NM_001424043.1); short protein forms T203S, T273S.
Identifiers: ClinVar variation 3673985 (VCV003673985.2).

ClinVar aggregate classification (germline): Uncertain significance (1 of 4 stars; one submission).

Conditions:
Maple syrup urine disease (MSUD). Identifiers: Orphanet 511, MedGen C0024776, MeSH D008375, MONDO:0009563. Disease mechanism: loss of function.

gnomAD v4.1: 1 of 1,612,182 alleles (0.000062%); no homozygotes.

Submission:

Labcorp Genetics (formerly Invitae), Labcorp
Classification: Uncertain significance for Maple syrup urine disease. Last evaluated: 2024-08-09. Review status: criteria provided, single submitter. Criteria: Invitae Variant Classification Sherloc (09022015). Collection method: clinical testing. Allele origin: germline.
Comment: This sequence change replaces threonine, which is neutral and polar, with serine, which is neutral and polar, at codon 273 of the BCKDHB protein (p.Thr273Ser). This variant is present in population databases (rs398124595, gnomAD no frequency). This variant has not been reported in the literature in individuals affected with BCKDHB-related conditions. Advanced modeling of protein sequence and biophysical properties (such as structural, functional, and spatial information, amino acid conservation, physicochemical variation, residue mobility, and thermodynamic stability) performed at Invitae indicates that this missense variant is not expected to disrupt BCKDHB protein function with a negative predictive value of 80%. This variant disrupts the p.Thr273 amino acid residue in BCKDHB. Other variant(s) that disrupt this residue have been determined to be pathogenic (PMID: 28417071). This suggests that this residue is clinically significant, and that variants that disrupt this residue are likely to be disease-causing. In summary, the available evidence is currently insufficient to determine the role of this variant in disease. Therefore, it has been classified as a Variant of Uncertain Significance.

Literature cited by the submitters: PubMed 28417071.